The following is an entry in ClinVar:

NM_000264.5(PTCH1):c.357G>C (p.Ala119=)

Gene: PTCH1 (patched 1; minus strand). Cytogenetic location: 9q22.32.
Variant type: single nucleotide variant.
Coding change: c.357G>C on transcript NM_000264.5 (MANE Select); coding-DNA position 357, G replaced by C.
Protein change: p.Ala119=; no amino-acid change (alanine 119 retained).
Molecular consequence: synonymous variant. On other transcripts: 5 prime UTR variant (4), non-coding transcript variant (1).
Genome position (GRCh38, 1-based): chr9:95,506,444, C>G on the plus strand (G>C on the coding strand, the complement: PTCH1 is on the minus strand). VCF-style: chr9-95506444-C-G. GRCh37 (hg19) VCF-style: chr9-98268726-C-G.
Other names: c.159G>C, p.Ala53= (NM_001083602.3, NM_001354919.2); c.354G>C, p.Ala118= (NM_001083603.3); c.-97G>C (NM_001083604.3, NM_001083605.3, NM_001083606.3 and 1 more transcripts); c.357G>C, p.Ala119= (NM_001354918.2); c.357G>C (NM_000264.4).
Identifiers: ClinVar variation 744158 (VCV000744158.15), dbSNP rs377575915, ClinGen allele CA196553130.

ClinVar aggregate classification (germline): Conflicting classifications of pathogenicity. Review status: criteria provided, conflicting classifications (1 of 4 stars). 3 submissions from 3 submitters: Uncertain significance (1); Likely benign (2). Last evaluated 2025-11-25.

Conditions:
Hereditary cancer-predisposing syndrome. Also called: Tumor predisposition; Hereditary Cancer Syndrome; Neoplastic Syndromes, Hereditary; Hereditary neoplastic syndrome. Identifiers: Orphanet 140162, MedGen C0027672, MeSH D009386, MONDO:0015356.
Gorlin syndrome. Also called: Basal cell nevus syndrome; Nevoid Basal Cell Carcinoma Syndrome. Identifiers: Orphanet 377, MedGen C0004779, MONDO:0007187.

Allele frequency attached by ClinVar (database versions not stated): gnomAD 0.00001 and 0.00002; TOPMed 0.00001; ESP Exome Variant Server 0.00008.
gnomAD v4.1: 5 of 1,612,642 alleles (0.00031%); highest among the groups gnomAD compares: African/African-American, 0.0067%; no homozygotes.

Submissions (3):

Labcorp Genetics (formerly Invitae), Labcorp
Classification: Likely benign for Gorlin syndrome. Last evaluated: 2025-11-25. Review status: criteria provided, single submitter. Criteria: Invitae Variant Classification Sherloc (09022015). Collection method: clinical testing. Allele origin: germline.

Quest Diagnostics Nichols Institute San Juan Capistrano
Classification: Uncertain significance. Last evaluated: 2024-03-15. Review status: criteria provided, single submitter. Criteria: Quest Diagnostics criteria. Collection method: clinical testing. Allele origin: unknown.
Comment: The PTCH1 c.357G>C (p.Ala119=) synonymous variant has not been reported in individuals with PTCH1-related conditions in the published literature. The frequency of this variant in the general population, 0.000004 (1/250108 chromosomes (Genome Aggregation Database)), is uninformative in the assessment of its pathogenicity. Analysis of this variant using software algorithms for the prediction of the effect of nucleotide changes on splicing yielded predictions that this variant does not affect PTCH1 mRNA splicing. Based on the available information, we are unable to determine the clinical significance of this variant.

Ambry Genetics
Classification: Likely benign for Hereditary cancer-predisposing syndrome. Last evaluated: 2018-03-07. Review status: criteria provided, single submitter. Criteria: Ambry Variant Classification Scheme 2023. Collection method: clinical testing. Allele origin: germline.